The following is an entry in ClinVar:

ClinVar aggregate classification (germline): Benign. Review status: criteria provided, multiple submitters, no conflicts (2 of 4 stars). 2 submissions from 2 submitters: Benign (2). Last evaluated 2018-06-14.

Allele frequency attached by ClinVar (database versions not stated): 1000 Genomes Project 30x 0.63601; 1000 Genomes Project 0.64038; TOPMed 0.69123; gnomAD 0.70972 and 0.71058; gnomAD exomes 0.78243.
gnomAD v4.1: 1,085,049 of 1,402,578 alleles (77%); highest among the groups gnomAD compares: Non-Finnish European, 81%; 424,826 homozygotes.

Submissions (2):

GeneDx
Classification: Benign. Last evaluated: 2018-06-14. Review status: criteria provided, single submitter. Criteria: GeneDx Variant Classification (06012015). Collection method: clinical testing. Allele origin: germline. Affected: yes.
Comment: This variant is considered likely benign or benign based on one or more of the following criteria: it is a conservative change, it occurs at a poorly conserved position in the protein, it is predicted to be benign by multiple in silico algorithms, and/or has population frequency not consistent with disease.

Breakthrough Genomics
Classification: Benign. Review status: criteria provided, single submitter. Criteria: ACMG Guidelines, 2015. Collection method: not provided. Allele origin: germline. Inheritance: Autosomal dominant inheritance. Affected: yes.

NM_000393.5(COL5A2):c.2445+98G>A

Gene: COL5A2 (collagen type V alpha 2 chain; minus strand). Cytogenetic location: 2q32.2.
Variant type: single nucleotide variant.
Coding change: c.2445+98G>A on transcript NM_000393.5 (MANE Select); 98 bases into the intron after coding-DNA position 2445, G replaced by A.
Molecular consequence: intron variant.
Genome position (GRCh38, 1-based): chr2:189,054,061, C>T on the plus strand (G>A on the coding strand, the complement: COL5A2 is on the minus strand). VCF-style: chr2-189054061-C-T. GRCh37 (hg19) VCF-style: chr2-189918787-C-T.
Identifiers: ClinVar variation 670987 (VCV000670987.2), dbSNP rs6738371, ClinGen allele CA62597714.